The following is an entry in ClinVar:

ClinVar aggregate classification (germline): Conflicting classifications of pathogenicity. Review status: criteria provided, conflicting classifications (1 of 4 stars). 4 submissions from 4 submitters: Uncertain significance (3); Likely benign (1). Last evaluated 2025-07-06.

Conditions:
Hereditary cancer-predisposing syndrome. Also called: Neoplastic Syndromes, Hereditary; Tumor predisposition; Hereditary Cancer Syndrome; Hereditary neoplastic syndrome. Identifiers: Orphanet 140162, MedGen C0027672, MeSH D009386, MONDO:0015356.
Hereditary breast ovarian cancer syndrome. Also called: Breast and ovarian cancer; BRCA1- and BRCA2-Associated Hereditary Breast and Ovarian Cancer; Hereditary breast and ovarian cancer; Hereditary breast and ovarian cancer syndrome (HBOC); Hereditary breast and/or ovarian cancer syndrome; Hereditary breast and ovarian cancer syndrome. Identifiers: Orphanet 145, MedGen C0677776, MeSH D061325, MONDO:0003582. Disease mechanism: loss of function.

Submissions (4):

Ambry Genetics
Classification: Uncertain significance for Hereditary cancer-predisposing syndrome. Last evaluated: 2025-07-06. Review status: criteria provided, single submitter. Criteria: Ambry Variant Classification Scheme 2023. Collection method: clinical testing. Allele origin: germline.
Comment: The p.L998R variant (also known as c.2993T>G), located in coding exon 9 of the BRCA1 gene, results from a T to G substitution at nucleotide position 2993. The leucine at codon 998 is replaced by arginine, an amino acid with dissimilar properties. This amino acid position is well conserved in available vertebrate species. In addition, the in silico prediction for this alteration is inconclusive. Since supporting evidence is limited at this time, the clinical significance of this alteration remains unclear.

Labcorp Genetics (formerly Invitae), Labcorp
Classification: Uncertain significance for Hereditary breast ovarian cancer syndrome. Last evaluated: 2024-03-20. Review status: criteria provided, single submitter. Criteria: Invitae Variant Classification Sherloc (09022015). Collection method: clinical testing. Allele origin: germline.
Comment: This sequence change replaces leucine, which is neutral and non-polar, with arginine, which is basic and polar, at codon 998 of the BRCA1 protein (p.Leu998Arg). This variant is not present in population databases (gnomAD no frequency). This variant has not been reported in the literature in individuals affected with BRCA1-related conditions. ClinVar contains an entry for this variant (Variation ID: 648468). Advanced modeling of protein sequence and biophysical properties (such as structural, functional, and spatial information, amino acid conservation, physicochemical variation, residue mobility, and thermodynamic stability) performed at Invitae indicates that this missense variant is not expected to disrupt BRCA1 protein function with a negative predictive value of 95%. In summary, the available evidence is currently insufficient to determine the role of this variant in disease. Therefore, it has been classified as a Variant of Uncertain Significance.

University of Washington Department of Laboratory Medicine, University of Washington
Classification: Likely benign for Hereditary cancer-predisposing syndrome. Last evaluated: 2023-03-23. Review status: criteria provided, single submitter. Criteria: Dines et al. (Genet Med. 2020). Collection method: curation. Allele origin: germline.
Comment: Missense variant in a coldspot region where missense variants are very unlikely to be pathogenic (PMID:31911673).

BRCA1 coldspot (exon 11 using historical exon numbering). Reclassification based on statistical prior probability

Color Diagnostics, LLC DBA Color Health
Classification: Uncertain significance for Hereditary cancer-predisposing syndrome. Last evaluated: 2019-05-16. Review status: criteria provided, single submitter. Criteria: ACMG Guidelines, 2015. Collection method: clinical testing. Allele origin: germline.

NM_007294.4(BRCA1):c.2993T>G (p.Leu998Arg)

Gene: BRCA1 (BRCA1 DNA repair associated; minus strand). Cytogenetic location: 17q21.31.
Variant type: single nucleotide variant.
Coding change: c.2993T>G on transcript NM_007294.4 (MANE Select); coding-DNA position 2993, T replaced by G.
Protein change: p.Leu998Arg; replaces leucine 998 with arginine.
Molecular consequence: missense variant. On other transcripts: intron variant (137).
Genome position (GRCh38, 1-based): chr17:43,092,538, A>C on the plus strand (T>G on the coding strand, the complement: BRCA1 is on the minus strand). VCF-style: chr17-43092538-A-C. GRCh37 (hg19) VCF-style: chr17-41244555-A-C.
Other names: c.2780T>G, p.Leu927Arg (NM_001407571.1, NM_001407853.1, NM_001407894.1 and 9 more transcripts); c.2993T>G, p.Leu998Arg (NM_001407581.1, NM_001407582.1, NM_001407583.1 and 30 more transcripts); c.2990T>G, p.Leu997Arg (NM_001407587.1, NM_001407590.1, NM_001407591.1 and 22 more transcripts); c.2984T>G, p.Leu995Arg (NM_001407646.1, NM_001407647.1); c.2870T>G, p.Leu957Arg (NM_001407648.1, NM_001407664.1, NM_001407665.1 and 19 more transcripts); c.2867T>G, p.Leu956Arg (NM_001407649.1, NM_001407670.1, NM_001407671.1 and 11 more transcripts); c.2915T>G, p.Leu972Arg (NM_001407653.1, NM_001407654.1, NM_001407655.1 and 4 more transcripts); c.2912T>G, p.Leu971Arg (NM_001407659.1, NM_001407660.1, NM_001407661.1 and 1 more transcripts); and 41 more; short protein forms L951R, L998R, L928R, L930R, L931R, L887R, L972R, L995R.
Identifiers: ClinVar variation 648468 (VCV000648468.17), dbSNP rs1567793330, ClinGen allele CA10596008.
Genomic context (GRCh38, chr17:43,092,538, plus strand): 5'-TTCTCATTTCCCATTTCTCTTTCAGGTGACATTGAATGTTCCTCAAAGTTTTCCTCTAGC[A>C]GATTTTTCTTACATTTAGTTTTAACAAATGACTTGATGGGAAAAAGTGGTGGTATACGAT-3'
Protein context (NP_009225.1, residues 988-1008): SFVKTKCKKN[Leu998Arg]LEENFEEHSM